The following is an entry in ClinVar:

ClinVar aggregate classification (germline): Uncertain significance (1 of 4 stars; one submission).

Conditions:
GLI3-related disorder. Also called: GLI3-related condition; GLI3-related disorders. Identifiers: MedGen CN239292.

Submission:

PreventionGenetics, part of Exact Sciences
Classification: Uncertain significance for GLI3-related condition. Last evaluated: 2023-01-03. Review status: criteria provided, single submitter. Criteria: ACMG Guidelines, 2015. Collection method: clinical testing. Allele origin: germline.
Comment: The GLI3 c.669C>G variant is predicted to result in the amino acid substitution p.Ser223Arg. To our knowledge, this variant has not been reported in the literature or in a large population database, indicating this variant is rare. An alternate nucleotide affecting the same amino acid (p.Ser223Asn) has been reported in the homozygous state in an individual with polydactyly, facial dysmorphism, neurologic features, hearing loss, and abnormal brain MRI (Patient 1, El Mouatani. 2021. PubMed ID: 34296525). The heterozygous parents were unaffected, although the mother did have a history of seizures. At this time, the clinical significance of the c.669C>G (p.Ser223Arg) variant is uncertain due to the absence of conclusive functional and genetic evidence.

NM_000168.6(GLI3):c.669C>G (p.Ser223Arg)

Gene: GLI3 (GLI family zinc finger 3; minus strand). Cytogenetic location: 7p14.1.
Variant type: single nucleotide variant.
Coding change: c.669C>G on transcript NM_000168.6 (MANE Select); coding-DNA position 669, C replaced by G.
Protein change: p.Ser223Arg; replaces serine 223 with arginine.
Molecular consequence: missense variant.
Genome position (GRCh38, 1-based): chr7:42,048,501, G>C on the plus strand (C>G on the coding strand, the complement: GLI3 is on the minus strand). VCF-style: chr7-42048501-G-C. GRCh37 (hg19) VCF-style: chr7-42088100-G-C.
Other names: short protein forms S223R.
Identifiers: ClinVar variation 2629875 (VCV002629875.1), dbSNP rs2484716727, ClinGen allele CA367332822.